The following is an entry in ClinVar:

NM_005026.5(PIK3CD):c.2258A>C (p.Asp753Ala)

Gene: PIK3CD (phosphatidylinositol-4,5-bisphosphate 3-kinase catalytic subunit delta; plus strand). Cytogenetic location: 1p36.22.
Variant type: single nucleotide variant.
Coding change: c.2258A>C on transcript NM_005026.5 (MANE Select); coding-DNA position 2258, A replaced by C.
Protein change: p.Asp753Ala; replaces aspartic acid 753 with alanine.
Molecular consequence: missense variant.
Genome position (GRCh38, 1-based): chr1:9,722,267, A>C. VCF-style: chr1-9722267-A-C. GRCh37 (hg19) VCF-style: chr1-9782325-A-C.
Other names: c.2255A>C, p.Asp752Ala (NM_001350234.2, NM_001439206.1); c.2171A>C, p.Asp724Ala (NM_001350235.1); c.2258A>C, p.Asp753Ala (NM_001437546.1); c.2114A>C, p.Asp705Ala (NM_001437547.1, NM_001438338.1); short protein forms D705A, D724A, D752A, D753A.
Identifiers: ClinVar variation 4804167 (VCV004804167.1).

ClinVar aggregate classification (germline): Uncertain significance (1 of 4 stars; one submission).

Conditions:
Immunodeficiency 14 (IMD14A). Also called: p110-DELTA-ACTIVATING MUTATION CAUSING SENESCENT T CELLS, LYMPHADENOPATHY, AND IMMUNODEFICIENCY; ACTIVATED PI3K-DELTA SYNDROME 1; Activated PI3K Delta Syndrome Type 1 (APDS1); IMMUNODEFICIENCY 14A WITH LYMPHOPROLIFERATION, AUTOSOMAL DOMINANT. Identifiers: Orphanet 397596, Orphanet 693661, MedGen C5907821, MONDO:0014222, OMIM 615513.

gnomAD v4.1: 5 of 1,613,344 alleles (0.00031%); highest among the groups gnomAD compares: Non-Finnish European, 0.00042%; no homozygotes.

Submission:

Labcorp Genetics (formerly Invitae), Labcorp
Classification: Uncertain significance for Activated PI3K-delta syndrome. Last evaluated: 2025-07-21. Review status: criteria provided, single submitter. Criteria: Invitae Variant Classification Sherloc (09022015). Collection method: clinical testing. Allele origin: germline.
Comment: This sequence change replaces aspartic acid, which is acidic and polar, with alanine, which is neutral and non-polar, at codon 753 of the PIK3CD protein (p.Asp753Ala). This variant is not present in population databases (gnomAD no frequency). This variant has not been reported in the literature in individuals affected with PIK3CD-related conditions. Invitae Evidence Modeling of protein sequence and biophysical properties (such as structural, functional, and spatial information, amino acid conservation, physicochemical variation, residue mobility, and thermodynamic stability) indicates that this missense variant is expected to disrupt PIK3CD protein function with a positive predictive value of 80%. In summary, the available evidence is currently insufficient to determine the role of this variant in disease. Therefore, it has been classified as a Variant of Uncertain Significance.